The following is an entry in ClinVar:

ClinVar aggregate classification (germline): Likely pathogenic (0 of 4 stars; one submission).

Conditions:
Rolandic epilepsy-paroxysmal exercise-induced dystonia-writer's cramp syndrome. Also called: RE-PED-WC; TBC1D24-Related Rolandic Epilepsy with Paroxysmal Exercise-Induced Dystonia and Writer's Cramp (EPRPDC). Identifiers: Orphanet 163727, MedGen C1842531, MONDO:0011970, OMIM 608105.

gnomAD v4.1: 1 of 1,613,932 alleles (0.000062%); highest among the groups gnomAD compares: Non-Finnish European, 0.000085%; no homozygotes.

Submission:

Solve-RD Consortium
Classification: Likely pathogenic for Rolandic epilepsy-paroxysmal exercise-induced dystonia-writer's cramp syndrome. Last evaluated: 2022-06-01. Review status: no assertion criteria provided. Collection method: provider interpretation. Allele origin: inherited. Affected: yes.
Comment: Variant confirmed as disease-causing by referring clinical team

Variant identified during reanalysis of unsolved cases by the Solve-RD project. The Solve-RD project has received funding from the European Union’s Horizon 2020 research and innovation programme under grant agreement No 779257.

Literature cited by the submitters: PubMed 39825153.

NM_001199107.2(TBC1D24):c.857T>C (p.Leu286Pro)

Gene: TBC1D24 (TBC1 domain family member 24; plus strand). Cytogenetic location: 16p13.3.
Variant type: single nucleotide variant.
Coding change: c.857T>C on transcript NM_001199107.2 (MANE Select); coding-DNA position 857, T replaced by C.
Protein change: p.Leu286Pro; replaces leucine 286 with proline.
Molecular consequence: missense variant.
Genome position (GRCh38, 1-based): chr16:2,497,005, T>C. VCF-style: chr16-2497005-T-C. GRCh37 (hg19) VCF-style: chr16-2547006-T-C.
Other names: c.857T>C, p.Leu286Pro (NM_020705.3); short protein forms L286P.
Identifiers: ClinVar variation 3256791 (VCV003256791.1).